The following is an entry in ClinVar:

NM_001365088.1(SLC12A6):c.1091A>C (p.Lys364Thr)

Gene: SLC12A6 (solute carrier family 12 member 6; minus strand). Cytogenetic location: 15q14.
Variant type: single nucleotide variant.
Coding change: c.1091A>C on transcript NM_001365088.1 (MANE Select); coding-DNA position 1091, A replaced by C.
Protein change: p.Lys364Thr; replaces lysine 364 with threonine.
Molecular consequence: missense variant.
Genome position (GRCh38, 1-based): chr15:34,254,375, T>G on the plus strand (A>C on the coding strand, the complement: SLC12A6 is on the minus strand). VCF-style: chr15-34254375-T-G. GRCh37 (hg19) VCF-style: chr15-34546576-T-G.
Other names: c.914A>C, p.Lys305Thr (NM_001042494.2, NM_001042495.2); c.1064A>C, p.Lys355Thr (NM_001042496.2); c.1046A>C, p.Lys349Thr (NM_001042497.2); c.938A>C, p.Lys313Thr (NM_005135.2); c.1091A>C, p.Lys364Thr (NM_133647.2); short protein forms K355T, K349T, K364T, K305T, K313T.
Identifiers: ClinVar variation 1346024 (VCV001346024.8), dbSNP rs200485502, ClinGen allele CA7464410.

ClinVar aggregate classification (germline): Uncertain significance (1 of 4 stars; one submission).

Allele frequency attached by ClinVar (database versions not stated): ExAC 0.00001; gnomAD 0.00001; 1000 Genomes Project 30x 0.00016; 1000 Genomes Project 0.00020.
gnomAD v4.1: 14 of 1,613,910 alleles (0.00087%); highest among the groups gnomAD compares: East Asian, 0.031%; no homozygotes.

Submission:

Labcorp Genetics (formerly Invitae), Labcorp
Classification: Uncertain significance. Last evaluated: 2023-07-07. Review status: criteria provided, single submitter. Criteria: Invitae Variant Classification Sherloc (09022015). Collection method: clinical testing. Allele origin: germline.
Comment: In summary, the available evidence is currently insufficient to determine the role of this variant in disease. Therefore, it has been classified as a Variant of Uncertain Significance. This sequence change replaces lysine, which is basic and polar, with threonine, which is neutral and polar, at codon 364 of the SLC12A6 protein (p.Lys364Thr). This variant is present in population databases (rs200485502, gnomAD 0.006%). This variant has not been reported in the literature in individuals affected with SLC12A6-related conditions. ClinVar contains an entry for this variant (Variation ID: 1346024). Advanced modeling of protein sequence and biophysical properties (such as structural, functional, and spatial information, amino acid conservation, physicochemical variation, residue mobility, and thermodynamic stability) performed at Invitae indicates that this missense variant is not expected to disrupt SLC12A6 protein function.